The following is an entry in ClinVar:

NM_003242.6(TGFBR2):c.1397-1G>A

Gene: TGFBR2 (transforming growth factor beta receptor 2; plus strand). Cytogenetic location: 3p24.1.
Variant type: single nucleotide variant.
Coding change: c.1397-1G>A on transcript NM_003242.6 (MANE Select); the canonical splice acceptor site of the intron before coding-DNA position 1397, G replaced by A.
Molecular consequence: splice acceptor variant. On other transcripts: intron variant (2).
Genome position (GRCh38, 1-based): chr3:30,688,383, G>A. VCF-style: chr3-30688383-G-A. GRCh37 (hg19) VCF-style: chr3-30729875-G-A.
Other names: c.1400-1G>A (NM_001407129.1); c.1292-1G>A (NM_001407132.1, NM_001407136.1, NM_001407133.1 and 2 more transcripts); c.1580-1G>A (NM_001407126.1); c.1472-1G>A (NM_001024847.3); c.530-4G>A (NM_001407139.1); c.1112-1G>A (NM_001407137.1); c.1505-1G>A (NM_001407127.1); c.1397-4G>A (NM_001407130.1); and 2 more.
Identifiers: ClinVar variation 477538 (VCV000477538.6), dbSNP rs1553631693, ClinGen allele CA351809182.

ClinVar aggregate classification (germline): Pathogenic (1 of 4 stars; one submission).

Conditions:
Familial thoracic aortic aneurysm and aortic dissection (TAAD). Also called: Thoracic aortic aneurysms and dissections. Identifiers: Orphanet 91387, MedGen C4707243, MONDO:0019625.

Submissions (2):

Labcorp Genetics (formerly Invitae), Labcorp
Classification: Pathogenic for Familial thoracic aortic aneurysm and aortic dissection. Last evaluated: 2017-09-26. Review status: criteria provided, single submitter. Criteria: Invitae Variant Classification Sherloc (09022015). Collection method: clinical testing. Allele origin: germline.
Comment: This sequence change affects an acceptor splice site in intron 5 of the TGFBR2 gene. It is expected to disrupt RNA splicing and likely results in an absent or disrupted protein product. This variant is not present in population databases (ExAC no frequency). This variant has been reported in the literature in an individual affected with a TGFBR2-related disease (PMID: 16928994). This variant is also known as IVS5-1G>A in the literature Algorithms developed to predict the effect of sequence changes on RNA splicing suggest that this variant may disrupt the consensus splice site, but this prediction has not been confirmed by published transcriptional studies. Donor and acceptor splice site variants typically lead to a loss of protein function (PMID: 16199547), and loss-of-function variants in TGFBR2 are known to be pathogenic ( (PMID: 16799921, 18781618, 20838339). For these reasons, this variant has been classified as Pathogenic.

Dr. Peter K. Rogan Lab, Western University
No classification provided (evidence only). Condition: Squamous cell carcinoma of the head and neck. Review status: no classification provided. Collection method: in vitro. Allele origin: not applicable. Functional consequence: retained intron. Not counted in ClinVar's aggregate classification.

Literature cited by the submitters: PubMed 16928994 (cited by Labcorp Genetics (formerly Invitae), Labcorp); PubMed 16199547 (cited by Labcorp Genetics (formerly Invitae), Labcorp); PubMed 16799921 (cited by Labcorp Genetics (formerly Invitae), Labcorp); PubMed 18781618 (cited by Labcorp Genetics (formerly Invitae), Labcorp); PubMed 20838339 (cited by Labcorp Genetics (formerly Invitae), Labcorp).